The following is an entry in ClinVar:

ClinVar aggregate classification (germline): Pathogenic (1 of 4 stars; one submission).

Submission:

Labcorp Genetics (formerly Invitae), Labcorp
Classification: Pathogenic. Last evaluated: 2025-11-23. Review status: criteria provided, single submitter. Criteria: Invitae Variant Classification Sherloc (09022015). Collection method: clinical testing. Allele origin: germline.
Comment: This sequence change creates a premature translational stop signal (p.Asp38Thrfs*3) in the LTBP2 gene. It is expected to result in an absent or disrupted protein product. Loss-of-function variants in LTBP2 are known to be pathogenic (PMID: 19361779, 19656777, 22025892). This variant is present in population databases (no rsID available, gnomAD 0.001%). This variant has not been reported in the literature in individuals affected with LTBP2-related conditions. ClinVar contains an entry for this variant (Variation ID: 1909521). For these reasons, this variant has been classified as Pathogenic.

Literature cited by the submitters: PubMed 19361779; PubMed 19656777; PubMed 22025892.

NM_000428.3(LTBP2):c.112del (p.Asp38fs)

Gene: LTBP2 (latent transforming growth factor beta binding protein 2; minus strand). Cytogenetic location: 14q24.3.
Variant type: Deletion.
Coding change: c.112del on transcript NM_000428.3 (MANE Select); coding-DNA position 112, one base deleted (G; older notation c.112delG).
Protein change: p.Asp38fs; shifts the reading frame from aspartic acid 38.
Molecular consequence: frameshift variant.
Genome position (GRCh38, 1-based): chr14:74,611,833, C deleted on the plus strand (G on the coding strand, the reverse complement: LTBP2 is on the minus strand); the first of 3 consecutive C bases (chr14:74,611,833-74,611,835); deleting any one gives the same sequence. VCF-style (leftmost placement, unchanged base first): chr14-74611832-TC-T. GRCh37 (hg19) VCF-style: chr14-75078535-TC-T.
Other names: short protein forms D38fs.
Identifiers: ClinVar variation 1909521 (VCV001909521.5), dbSNP rs1296682446, ClinGen allele CA615193318.